The following is an entry in ClinVar:

NM_000214.3(JAG1):c.250T>A (p.Ser84Thr)

Gene: JAG1 (jagged canonical Notch ligand 1; minus strand). Cytogenetic location: 20p12.2.
Variant type: single nucleotide variant.
Coding change: c.250T>A on transcript NM_000214.3 (MANE Select); coding-DNA position 250, T replaced by A.
Protein change: p.Ser84Thr; replaces serine 84 with threonine.
Molecular consequence: missense variant.
Genome position (GRCh38, 1-based): chr20:10,672,838, A>T on the plus strand (T>A on the coding strand, the complement: JAG1 is on the minus strand). VCF-style: chr20-10672838-A-T. GRCh37 (hg19) VCF-style: chr20-10653486-A-T.
Other names: short protein forms S84T.
Identifiers: ClinVar variation 3573263 (VCV003573263.2).

Conditions:
Arteriohepatic dysplasia. Also called: Alagille Syndrome. Identifiers: Orphanet 52, MedGen C0085280, MeSH D016738, MONDO:0007318.

Submission:

Gilbert/Spinner Lab, Children's Hospital of Philadelphia
No classification provided (evidence only). Condition: Alagille syndrome. Review status: no classification provided. Collection method: research. Allele origin: not applicable. Functional consequence: functionally_abnormal.
ClinVar note: "not provided" was previously submitted as the classification for the variant. However, the classification appeared to be based only on an observation of functional data so it was converted to no classification on 2025-07-30.